The following is an entry in ClinVar:

NC_000021.8:g.(?_44476893)_(44480676_?)del

Gene: CBS (cystathionine beta-synthase; minus strand). Cytogenetic location: 21q22.3.
Variant type: Deletion.
Identifiers: ClinVar variation 1489947 (VCV001489947.4).

ClinVar aggregate classification (germline): Likely pathogenic (1 of 4 stars; one submission).

Conditions:
HYPERHOMOCYSTEINEMIA, THROMBOTIC, CBS-RELATED. Identifiers: MedGen C3150344, OMIM 236200.

Submission:

Labcorp Genetics (formerly Invitae), Labcorp
Classification: Likely pathogenic for HYPERHOMOCYSTEINEMIA, THROMBOTIC, CBS-RELATED. Last evaluated: 2021-11-14. Review status: criteria provided, single submitter. Criteria: Invitae Variant Classification Sherloc (09022015). Collection method: clinical testing. Allele origin: germline.
Comment: This variant has not been reported in the literature in individuals affected with CBS-related conditions. This variant is a gross deletion of the genomic region encompassing exon(s) 12-16 of the CBS gene. This variant would be expected to be in-frame, preserving the integrity of the reading frame. This variant disrupts the p.Arg379 amino acid residue in CBS. Other variant(s) that disrupt this residue have been determined to be pathogenic (PMID: 2152033, 12815602, 16429402, 16479318). This suggests that this residue is clinically significant, and that variants that disrupt this residue are likely to be disease-causing. In summary, the currently available evidence indicates that the variant is pathogenic, but additional data are needed to prove that conclusively. Therefore, this variant has been classified as Likely Pathogenic.

Literature cited by the submitters: PubMed 2152033; PubMed 12815602; PubMed 16429402; PubMed 16479318.